The following is an entry in ClinVar:

ClinVar aggregate classification (germline): Uncertain significance. Review status: criteria provided, multiple submitters, no conflicts (2 of 4 stars). 2 submissions from 2 submitters: Uncertain significance (2). Last evaluated 2025-12-04.

Conditions:
Epileptic encephalopathy. Identifiers: MedGen C0543888, HP:0200134.

Allele frequency attached by ClinVar (database versions not stated): TOPMed 0.00006; gnomAD 0.00013.
gnomAD v4.1: 181 of 1,607,064 alleles (0.011%); highest among the groups gnomAD compares: African/African-American, 0.019%; 2 homozygotes.

Submissions (2):

Ambry Genetics
Classification: Uncertain significance. Last evaluated: 2025-12-04. Review status: criteria provided, single submitter. Criteria: Ambry Variant Classification Scheme 2023. Collection method: clinical testing. Allele origin: germline.

Labcorp Genetics (formerly Invitae), Labcorp
Classification: Uncertain significance for Epileptic encephalopathy. Last evaluated: 2024-08-28. Review status: criteria provided, single submitter. Criteria: Invitae Variant Classification Sherloc (09022015). Collection method: clinical testing. Allele origin: germline.
Comment: This sequence change replaces valine, which is neutral and non-polar, with isoleucine, which is neutral and non-polar, at codon 884 of the FASN protein (p.Val884Ile). This variant is present in population databases (rs750385551, gnomAD 0.03%). This variant has not been reported in the literature in individuals affected with FASN-related conditions. ClinVar contains an entry for this variant (Variation ID: 462027). An algorithm developed to predict the effect of missense changes on protein structure and function outputs the following: PolyPhen-2: "Benign". The isoleucine amino acid residue is found in multiple mammalian species, which suggests that this missense change does not adversely affect protein function. In summary, the available evidence is currently insufficient to determine the role of this variant in disease. Therefore, it has been classified as a Variant of Uncertain Significance.

NM_004104.5(FASN):c.2650G>A (p.Val884Ile)

Gene: FASN (fatty acid synthase; minus strand). Cytogenetic location: 17q25.3.
Variant type: single nucleotide variant.
Coding change: c.2650G>A on transcript NM_004104.5 (MANE Select); coding-DNA position 2650, G replaced by A.
Protein change: p.Val884Ile; replaces valine 884 with isoleucine.
Molecular consequence: missense variant.
Genome position (GRCh38, 1-based): chr17:82,088,251, C>T on the plus strand (G>A on the coding strand, the complement: FASN is on the minus strand). VCF-style: chr17-82088251-C-T. GRCh37 (hg19) VCF-style: chr17-80046127-C-T.
Other names: short protein forms V884I.
Identifiers: ClinVar variation 462027 (VCV000462027.10), dbSNP rs750385551, ClinGen allele CA8852695.
Genomic context (GRCh38, chr17:82,088,251, plus strand): 5'-CCAGGGCGCGGGCCAGCGTCTTCCACACTATGCTCAGGTAGCCAGTGGCGGGGAAGAGGA[C>T]GCGACCGTCGAGGGTGTGGTCCACCAGGTAGTGGTCAGGAGACTCGGAGCTGGTGTCTGC-3'
Protein context (NP_004095.4, residues 874-894): YLVDHTLDGR[Val884Ile]LFPATGYLSI